The following is an entry in ClinVar:

ClinVar aggregate classification (germline): Uncertain significance (1 of 4 stars; one submission).

Conditions:
Autosomal dominant Alport syndrome (ATS3A). Also called: ALPORT SYNDROME 3A, AUTOSOMAL DOMINANT; Alport syndrome dominant type; Renal failure and sensorineural hearing loss. Identifiers: Orphanet 63, Orphanet 88918, MedGen C5882663, MONDO:0007086, OMIM 104200.

gnomAD v4.1: 1 of 1,613,990 alleles (0.000062%); highest among the groups gnomAD compares: Non-Finnish European, 0.000085%; no homozygotes.

Submission:

MVZ Medizinische Genetik Mainz
Classification: Uncertain significance for Autosomal dominant Alport syndrome. Last evaluated: 2025-10-22. Review status: criteria provided, single submitter. Criteria: UK Practice Guidelines For Variant Classification V4 01 2020. Collection method: clinical testing. Allele origin: germline. Inheritance: Autosomal dominant inheritance. Affected: yes. Observed: 1 variant allele.
Comment: ACMG Criteria: PM2_SUP,PP3

NM_000091.5(COL4A3):c.4763G>C (p.Ser1588Thr)

Genes: COL4A3 (collagen type IV alpha 3 chain; plus strand), MFF-DT (MFF divergent transcript; minus strand). Cytogenetic location: 2q36.3.
Variant type: single nucleotide variant.
Coding change: c.4763G>C on transcript NM_000091.5 (MANE Select); coding-DNA position 4763, G replaced by C.
Protein change: p.Ser1588Thr; replaces serine 1588 with threonine.
Molecular consequence: missense variant.
Genome position (GRCh38, 1-based): chr2:227,310,783, G>C. VCF-style: chr2-227310783-G-C. GRCh37 (hg19) VCF-style: chr2-228175499-G-C.
Other names: short protein forms S1588T.
Identifiers: ClinVar variation 4532204 (VCV004532204.1).